The following is an entry in ClinVar:

NM_001039591.3(USP9X):c.4972C>T (p.Arg1658Ter)

Gene: USP9X (ubiquitin specific peptidase 9 X-linked; plus strand). Cytogenetic location: Xp11.4.
Variant type: single nucleotide variant.
Coding change: c.4972C>T on transcript NM_001039591.3 (MANE Select); coding-DNA position 4972, C replaced by T.
Protein change: p.Arg1658Ter; replaces arginine 1658 with a stop codon.
Molecular consequence: nonsense.
Genome position (GRCh38, 1-based): chrX:41,205,450, C>T. VCF-style: chrX-41205450-C-T. GRCh37 (hg19) VCF-style: chrX-41064703-C-T.
Other names: c.4972C>T, p.Arg1658Ter (NM_001039590.3); c.4987C>T, p.Arg1663Ter (NM_001410748.1, NM_001410749.1); short protein forms R1658*, R1663*.
Identifiers: ClinVar variation 2498008 (VCV002498008.2), dbSNP rs1206153335, ClinGen allele CA412781902.

ClinVar aggregate classification (germline): Pathogenic. Review status: criteria provided, multiple submitters, no conflicts (2 of 4 stars). 2 submissions from 2 submitters: Pathogenic (2). Last evaluated 2025-10-06.

Conditions:
USP9X-related disorder. Also called: USP9X-related condition.

Submissions (2):

PreventionGenetics, part of Exact Sciences
Classification: Pathogenic for USP9X-related condition. Last evaluated: 2025-10-06. Review status: criteria provided, single submitter. Criteria: ACMG Guidelines, 2015. Collection method: clinical testing. Allele origin: germline.
Comment: The USP9X c.4972C>T variant is predicted to result in premature protein termination (p.Arg1658*). This variant has not been reported in gnomAD, indicating this variant is rare. Nonsense variants in USP9X are expected to be pathogenic. This variant is interpreted as likely pathogenic.

GeneDx
Classification: Pathogenic. Last evaluated: 2022-10-03. Review status: criteria provided, single submitter. Criteria: GeneDx Variant Classification Process June 2021. Collection method: clinical testing. Allele origin: germline. Affected: yes.
Comment: Nonsense variant predicted to result in protein truncation or nonsense mediated decay in a gene for which loss of function is a known mechanism of disease; Not observed at significant frequency in large population cohorts (gnomAD); Has not been previously published as pathogenic or benign to our knowledge